The following is an entry in ClinVar:

ClinVar aggregate classification (germline): Uncertain significance (1 of 4 stars; one submission).

Conditions:
Hereditary cancer-predisposing syndrome. Also called: Neoplastic Syndromes, Hereditary; Tumor predisposition; Hereditary Cancer Syndrome; Hereditary neoplastic syndrome. Identifiers: Orphanet 140162, MedGen C0027672, MeSH D009386, MONDO:0015356.

Submission:

Ambry Genetics
Classification: Uncertain significance for Hereditary cancer-predisposing syndrome. Last evaluated: 2024-09-27. Review status: criteria provided, single submitter. Criteria: Ambry Variant Classification Scheme 2023. Collection method: clinical testing. Allele origin: germline.
Comment: The p.Q987E variant (also known as c.2959C>G), located in coding exon 9 of the PALB2 gene, results from a C to G substitution at nucleotide position 2959. The glutamine at codon 987 is replaced by glutamic acid, an amino acid with highly similar properties. This amino acid position is well conserved in available vertebrate species. In addition, this alteration is predicted to be tolerated by in silico analysis. Since supporting evidence is limited at this time, the clinical significance of this alteration remains unclear.

NM_024675.4(PALB2):c.2959C>G (p.Gln987Glu)

Gene: PALB2 (partner and localizer of BRCA2; minus strand). Cytogenetic location: 16p12.2.
Variant type: single nucleotide variant.
Coding change: c.2959C>G on transcript NM_024675.4 (MANE Select); coding-DNA position 2959, C replaced by G.
Protein change: p.Gln987Glu; replaces glutamine 987 with glutamic acid.
Molecular consequence: missense variant.
Genome position (GRCh38, 1-based): chr16:23,623,006, G>C on the plus strand (C>G on the coding strand, the complement: PALB2 is on the minus strand). VCF-style: chr16-23623006-G-C. GRCh37 (hg19) VCF-style: chr16-23634327-G-C.
Other names: c.2887C>G, p.Gln963Glu (NM_001407297.1); c.2899C>G, p.Gln967Glu (NM_001407296.1); c.2797C>G, p.Gln933Glu (NM_001407298.1, NM_001407302.1); c.2959C>G, p.Gln987Glu (NM_001407299.1, NM_001407301.1); c.2074C>G, p.Gln692Glu (NM_001407304.1, NM_001407305.1, NM_001407306.1 and 4 more transcripts); c.1912C>G, p.Gln638Glu (NM_001407307.1); c.1171C>G, p.Gln391Glu (NM_001407312.1, NM_001407313.1); c.493C>G, p.Gln165Glu (NM_001407314.1); short protein forms Q391E, Q638E, Q165E, Q933E, Q692E, Q963E, Q967E, Q987E.
Identifiers: ClinVar variation 1798136 (VCV001798136.3), dbSNP rs2142335181, ClinGen allele CA395144009.